The following is an entry in ClinVar:

NM_025137.4(SPG11):c.6343+1G>T

Gene: SPG11 (SPG11 vesicle trafficking associated, spatacsin; minus strand). Cytogenetic location: 15q21.1.
Variant type: single nucleotide variant.
Coding change: c.6343+1G>T on transcript NM_025137.4 (MANE Select); the canonical splice donor site of the intron after coding-DNA position 6343, G replaced by T.
Molecular consequence: splice donor variant.
Genome position (GRCh38, 1-based): chr15:44,572,682, C>A on the plus strand (G>T on the coding strand, the complement: SPG11 is on the minus strand). VCF-style: chr15-44572682-C-A. GRCh37 (hg19) VCF-style: chr15-44864880-C-A.
Other names: c.6199+1G>T (NM_001411132.1); c.6004+1G>T (NM_001160227.2).
Identifiers: ClinVar variation 534874 (VCV000534874.7), dbSNP rs1555447432, ClinGen allele CA392216998.
Genomic context (GRCh38, chr15:44,572,682, plus strand): 5'-TGGGAGACCTTTTGAGACCTGTTTAGGGCCAAAATATGTAAGAAAAAGGTCAATAACTTA[C>A]TGCAAGACAGTTCCCCATGGGGAACGGAGGAAATCTTATCCAACAACTTCATGCCTACCA-3'

ClinVar aggregate classification (germline): Likely pathogenic (1 of 4 stars; one submission).

Conditions:
Hereditary spastic paraplegia 11. Also called: Nakamura Osame syndrome; Autosomal recessive hereditary spastic paraplegia, mental impairment, and thin corpus callosum; Spastic paraplegia, mental retardation and thin corpus callosum; SPASTIC PARAPLEGIA, AUTOSOMAL RECESSIVE, COMPLICATED, WITH THIN CORPUS CALLOSUM; SPASTIC PARAPLEGIA, AUTOSOMAL RECESSIVE, WITH MENTAL IMPAIRMENT AND THIN CORPUS CALLOSUM; Spastic Paraplegia 11. Identifiers: Orphanet 2822, MedGen C1858479, MONDO:0011445, OMIM 604360.

gnomAD v4.1: 2 of 1,614,134 alleles (0.00012%); highest among the groups gnomAD compares: Non-Finnish European, 0.00017%; no homozygotes.

Submission:

Labcorp Genetics (formerly Invitae), Labcorp
Classification: Likely pathogenic for Hereditary spastic paraplegia 11. Last evaluated: 2017-12-04. Review status: criteria provided, single submitter. Criteria: Invitae Variant Classification Sherloc (09022015). Collection method: clinical testing. Allele origin: germline.
Comment: In summary, the currently available evidence indicates that the variant is pathogenic, but additional data are needed to prove that conclusively. Therefore, this variant has been classified as Likely Pathogenic. Donor and acceptor splice site variants typically lead to a loss of protein function (PMID: 16199547), and loss-of-function variants in SPG11 are known to be pathogenic (PMID: 19105190, 20110243, 22154821, 26556829). Algorithms developed to predict the effect of sequence changes on RNA splicing suggest that this variant may disrupt the consensus splice site, but this prediction has not been confirmed by published transcriptional studies. This variant has not been reported in the literature in individuals with SPG11-related disease. This variant is not present in population databases (ExAC no frequency). This sequence change affects a donor splice site in intron 33 of the SPG11 gene. It is expected to disrupt RNA splicing and likely results in an absent or disrupted protein product.

Literature cited by the submitters: PubMed 16199547; PubMed 19105190; PubMed 20110243; PubMed 22154821; PubMed 26556829.